The following is an entry in ClinVar:

NM_001134363.3(RBM20):c.2322G>C (p.Gln774His)

Gene: RBM20 (RNA binding motif protein 20; plus strand). Cytogenetic location: 10q25.2.
Variant type: single nucleotide variant.
Coding change: c.2322G>C on transcript NM_001134363.3 (MANE Select); coding-DNA position 2322, G replaced by C.
Protein change: p.Gln774His; replaces glutamine 774 with histidine.
Molecular consequence: missense variant.
Genome position (GRCh38, 1-based): chr10:110,812,719, G>C. VCF-style: chr10-110812719-G-C. GRCh37 (hg19) VCF-style: chr10-112572477-G-C.
Other names: short protein forms Q774H.
Identifiers: ClinVar variation 4802658 (VCV004802658.1).

ClinVar aggregate classification (germline): Uncertain significance (1 of 4 stars; one submission).

Conditions:
Dilated cardiomyopathy 1DD (CMD1DD). Identifiers: Orphanet 154, MedGen C2750995, MONDO:0013168, OMIM 613172.

Submission:

Labcorp Genetics (formerly Invitae), Labcorp
Classification: Uncertain significance for Dilated cardiomyopathy 1DD. Last evaluated: 2025-10-13. Review status: criteria provided, single submitter. Criteria: Invitae Variant Classification Sherloc (09022015). Collection method: clinical testing. Allele origin: germline.
Comment: This sequence change replaces glutamine, which is neutral and polar, with histidine, which is basic and polar, at codon 774 of the RBM20 protein (p.Gln774His). This variant is not present in population databases (gnomAD no frequency). This variant has not been reported in the literature in individuals affected with RBM20-related conditions. Invitae Evidence Modeling of protein sequence and biophysical properties (such as structural, functional, and spatial information, amino acid conservation, physicochemical variation, residue mobility, and thermodynamic stability) indicates that this missense variant is not expected to disrupt RBM20 protein function with a negative predictive value of 95%. In summary, the available evidence is currently insufficient to determine the role of this variant in disease. Therefore, it has been classified as a Variant of Uncertain Significance.